The following is an entry in ClinVar:

ClinVar aggregate classification (germline): Uncertain significance (1 of 4 stars; one submission).

Submission:

Labcorp Genetics (formerly Invitae), Labcorp
Classification: Uncertain significance. Last evaluated: 2024-12-09. Review status: criteria provided, single submitter. Criteria: Invitae Variant Classification Sherloc (09022015). Collection method: clinical testing. Allele origin: germline.
Comment: This sequence change replaces valine, which is neutral and non-polar, with alanine, which is neutral and non-polar, at codon 395 of the TUBB1 protein (p.Val395Ala). This variant is not present in population databases (gnomAD no frequency). This variant has not been reported in the literature in individuals affected with TUBB1-related conditions. Invitae Evidence Modeling of protein sequence and biophysical properties (such as structural, functional, and spatial information, amino acid conservation, physicochemical variation, residue mobility, and thermodynamic stability) indicates that this missense variant is expected to disrupt TUBB1 protein function with a positive predictive value of 80%. In summary, the available evidence is currently insufficient to determine the role of this variant in disease. Therefore, it has been classified as a Variant of Uncertain Significance.

NM_030773.4(TUBB1):c.1184T>C (p.Val395Ala)

Gene: TUBB1 (tubulin beta 1 class VI; plus strand). Cytogenetic location: 20q13.32.
Variant type: single nucleotide variant.
Coding change: c.1184T>C on transcript NM_030773.4 (MANE Select); coding-DNA position 1184, T replaced by C.
Protein change: p.Val395Ala; replaces valine 395 with alanine.
Molecular consequence: missense variant.
Genome position (GRCh38, 1-based): chr20:59,024,611, T>C. VCF-style: chr20-59024611-T-C. GRCh37 (hg19) VCF-style: chr20-57599666-T-C.
Other names: short protein forms V395A.
Identifiers: ClinVar variation 3679434 (VCV003679434.2).